The following is an entry in ClinVar:

NM_000262.3(NAGA):c.646G>A (p.Asp216Asn)

Gene: NAGA (alpha-N-acetylgalactosaminidase; minus strand). Cytogenetic location: 22q13.2.
Variant type: single nucleotide variant.
Coding change: c.646G>A on transcript NM_000262.3 (MANE Select); coding-DNA position 646, G replaced by A.
Protein change: p.Asp216Asn; replaces aspartic acid 216 with asparagine.
Molecular consequence: missense variant.
Genome position (GRCh38, 1-based): chr22:42,065,851, C>T on the plus strand (G>A on the coding strand, the complement: NAGA is on the minus strand). VCF-style: chr22-42065851-C-T. GRCh37 (hg19) VCF-style: chr22-42461855-C-T.
Other names: c.646G>A, p.Asp216Asn (NM_001362848.1, NM_001362850.1); short protein forms D216N.
Identifiers: ClinVar variation 1389560 (VCV001389560.6), dbSNP rs754849987, ClinGen allele CA10263727.

ClinVar aggregate classification (germline): Uncertain significance. Review status: criteria provided, multiple submitters, no conflicts (2 of 4 stars). 2 submissions from 2 submitters: Uncertain significance (2). Last evaluated 2024-12-16.

Conditions:
Alpha-N-acetylgalactosaminidase deficiency type 2. Also called: ALPHA-N-ACETYLGALACTOSAMINIDASE DEFICIENCY, TYPE II; NAGA DEFICIENCY, TYPE II; SCHINDLER DISEASE, TYPE II. Identifiers: Orphanet 3137, Orphanet 79280, MedGen C1836522, MONDO:0012222, OMIM 609242.
Alpha-N-acetylgalactosaminidase deficiency type 1. Also called: SCHINDLER DISEASE, TYPE I; ALPHA-N-ACETYLGALACTOSAMINIDASE DEFICIENCY, TYPE I; NAGA DEFICIENCY, TYPE I; NEUROAXONAL DYSTROPHY, SCHINDLER TYPE. Identifiers: Orphanet 3137, Orphanet 79279, Orphanet 79281, MedGen C1836544, MONDO:0012221, OMIM 609241.

Allele frequency attached by ClinVar (database versions not stated): gnomAD 0.00001; TOPMed 0.00001; ExAC 0.00002; gnomAD exomes 0.00002 and 0.00004.

Submissions (2):

Labcorp Genetics (formerly Invitae), Labcorp
Classification: Uncertain significance for Alpha-N-acetylgalactosaminidase deficiency type 1. Last evaluated: 2024-12-16. Review status: criteria provided, single submitter. Criteria: Invitae Variant Classification Sherloc (09022015). Collection method: clinical testing. Allele origin: germline.
Comment: This sequence change replaces aspartic acid, which is acidic and polar, with asparagine, which is neutral and polar, at codon 216 of the NAGA protein (p.Asp216Asn). This variant is present in population databases (rs754849987, gnomAD 0.03%). This variant has not been reported in the literature in individuals affected with NAGA-related conditions. ClinVar contains an entry for this variant (Variation ID: 1389560). Invitae Evidence Modeling of protein sequence and biophysical properties (such as structural, functional, and spatial information, amino acid conservation, physicochemical variation, residue mobility, and thermodynamic stability) indicates that this missense variant is not expected to disrupt NAGA protein function with a negative predictive value of 80%. In summary, the available evidence is currently insufficient to determine the role of this variant in disease. Therefore, it has been classified as a Variant of Uncertain Significance.

Department of Pathology and Laboratory Medicine, Sinai Health System
Classification: Uncertain significance for Alpha-N-acetylgalactosaminidase deficiency type 1; Alpha-N-acetylgalactosaminidase deficiency type 2. Last evaluated: 2021-07-30. Review status: criteria provided, single submitter. Criteria: ACMG Guidelines, 2015. Collection method: research. Allele origin: germline.